The following is an entry in ClinVar:

ClinVar aggregate classification (germline): Uncertain significance (1 of 4 stars; one submission).

Allele frequency attached by ClinVar (database versions not stated): gnomAD exomes below 0.00001; TOPMed 0.00001.
gnomAD v4.1: 1 of 1,605,314 alleles (0.000062%); highest among the groups gnomAD compares: Admixed American, 0.0017%; no homozygotes.

Submission:

Labcorp Genetics (formerly Invitae), Labcorp
Classification: Uncertain significance. Last evaluated: 2023-09-05. Review status: criteria provided, single submitter. Criteria: Invitae Variant Classification Sherloc (09022015). Collection method: clinical testing. Allele origin: germline.
Comment: This variant has not been reported in the literature in individuals affected with DDX58-related conditions. In summary, the available evidence is currently insufficient to determine the role of this variant in disease. Therefore, it has been classified as a Variant of Uncertain Significance. Algorithms developed to predict the effect of sequence changes on RNA splicing suggest that this variant may disrupt the consensus splice site. ClinVar contains an entry for this variant (Variation ID: 1479879). This variant is not present in population databases (gnomAD no frequency). This sequence change affects an acceptor splice site in intron 5 of the DDX58 gene. It is expected to disrupt RNA splicing. Variants that disrupt the donor or acceptor splice site typically lead to a loss of protein function (PMID: 16199547), however the current clinical and genetic evidence is not sufficient to establish whether loss-of-function variants in DDX58 cause disease.

Literature cited by the submitters: PubMed 16199547.

NM_014314.4(RIGI):c.692-1G>A

Gene: RIGI (RNA sensor RIG-I; minus strand). Cytogenetic location: 9p21.1.
Variant type: single nucleotide variant.
Coding change: c.692-1G>A on transcript NM_014314.4 (MANE Select); the canonical splice acceptor site of the intron before coding-DNA position 692, G replaced by A.
Molecular consequence: splice acceptor variant. On other transcripts: intron variant (1).
Genome position (GRCh38, 1-based): chr9:32,489,452, C>T on the plus strand (G>A on the coding strand, the complement: RIGI is on the minus strand). VCF-style: chr9-32489452-C-T. GRCh37 (hg19) VCF-style: chr9-32489450-C-T.
Other names: c.83-1G>A (NM_001385912.1); c.677-1G>A (NM_001385913.1); c.692-1G>A (NM_001385907.1, NM_001385909.1); c.251-4G>A (NM_001385914.1); c.251-1G>A (NM_001385910.1).
Identifiers: ClinVar variation 1479879 (VCV001479879.8), dbSNP rs920860050, ClinGen allele CA192381392.
Genomic context (GRCh38, chr9:32,489,452, plus strand): 5'-CAAGCTCTAATTGGTAATTTCTTGGTTTAAATGGGCTGTACAAGTTTGTATCAGACACTT[C>T]TGGAATACAAAAGGAGCAAAATTACCAAACAGTTCCTGCTCTGAGGAATCACGGCAATAG-3'